The following is an entry in ClinVar:

NM_015909.4(NBAS):c.3676T>A (p.Phe1226Ile)

Gene: NBAS (NBAS subunit of NRZ tethering complex; minus strand). Cytogenetic location: 2p24.3.
Variant type: single nucleotide variant.
Coding change: c.3676T>A on transcript NM_015909.4 (MANE Select); coding-DNA position 3676, T replaced by A.
Protein change: p.Phe1226Ile; replaces phenylalanine 1226 with isoleucine.
Molecular consequence: missense variant. On other transcripts: non-coding transcript variant (1).
Genome position (GRCh38, 1-based): chr2:15,374,635, A>T on the plus strand (T>A on the coding strand, the complement: NBAS is on the minus strand). VCF-style: chr2-15374635-A-T. GRCh37 (hg19) VCF-style: chr2-15514759-A-T.
Other names: short protein forms F1226I.
Identifiers: ClinVar variation 1976005 (VCV001976005.5), dbSNP rs1399085434, ClinGen allele CA345895912.
Genomic context (GRCh38, chr2:15,374,635, plus strand): 5'-TAGTAACAATGCAACAGTAAGTAGAAAACTCACCTTGCAAAGGCAGGATCTTTACCCCAA[A>T]TTCTTCAAGACATCCAACGGCTTGGATAAGATCTAGCTCCTCTTGAATGGCAGGGGGTCT-3'
Protein context (NP_056993.2, residues 1216-1236): LIQAVGCLEE[Phe1226Ile]GVKILPLQVR

ClinVar aggregate classification (germline): Uncertain significance (1 of 4 stars; one submission).

Allele frequency attached by ClinVar (database versions not stated): TOPMed below 0.00001; gnomAD 0.00001.
gnomAD v4.1: 6 of 1,613,814 alleles (0.00037%); highest among the groups gnomAD compares: Middle Eastern, 0.016%; no homozygotes.

Submission:

Labcorp Genetics (formerly Invitae), Labcorp
Classification: Uncertain significance. Last evaluated: 2022-03-22. Review status: criteria provided, single submitter. Criteria: Invitae Variant Classification Sherloc (09022015). Collection method: clinical testing. Allele origin: germline.
Comment: In summary, the available evidence is currently insufficient to determine the role of this variant in disease. Therefore, it has been classified as a Variant of Uncertain Significance. Algorithms developed to predict the effect of missense changes on protein structure and function are either unavailable or do not agree on the potential impact of this missense change (SIFT: "Deleterious"; PolyPhen-2: "Probably Damaging"; Align-GVGD: "Class C15"). This variant has not been reported in the literature in individuals affected with NBAS-related conditions. This variant is not present in population databases (gnomAD no frequency). This sequence change replaces phenylalanine, which is neutral and non-polar, with isoleucine, which is neutral and non-polar, at codon 1226 of the NBAS protein (p.Phe1226Ile).